The following is an entry in ClinVar:

ClinVar aggregate classification (germline): Uncertain significance. Review status: criteria provided, multiple submitters, no conflicts (2 of 4 stars). 3 submissions from 3 submitters: Uncertain significance (3). Last evaluated 2025-10-07.

Conditions:
Charcot-Marie-Tooth disease type 4. Also called: Charcot-Marie-Tooth disease, type IV; Charcot-Marie-Tooth, Type 4. Identifiers: Orphanet 64749, MedGen C4082197, MONDO:0018995.
Inborn genetic diseases. Identifiers: MedGen C0950123, MeSH D030342.

Allele frequency attached by ClinVar (database versions not stated): ExAC 0.00001; gnomAD 0.00001; gnomAD exomes 0.00001; TOPMed 0.00002.
gnomAD v4.1: 10 of 1,614,110 alleles (0.00062%); highest among the groups gnomAD compares: Middle Eastern, 0.033%; no homozygotes.

Submissions (3):

Ambry Genetics
Classification: Uncertain significance for Inborn genetic diseases. Last evaluated: 2025-10-07. Review status: criteria provided, single submitter. Criteria: Ambry Variant Classification Scheme 2023. Collection method: clinical testing. Allele origin: germline.

Blueprint Genetics
Classification: Uncertain significance. Last evaluated: 2024-11-20. Review status: criteria provided, single submitter. Criteria: ACMG Guidelines, 2015. Collection method: clinical testing. Allele origin: germline.

Labcorp Genetics (formerly Invitae), Labcorp
Classification: Uncertain significance for Charcot-Marie-Tooth disease type 4. Last evaluated: 2024-11-05. Review status: criteria provided, single submitter. Criteria: Invitae Variant Classification Sherloc (09022015). Collection method: clinical testing. Allele origin: germline.
Comment: This sequence change replaces arginine, which is basic and polar, with serine, which is neutral and polar, at codon 1002 of the SH3TC2 protein (p.Arg1002Ser). This variant is present in population databases (rs762004036, gnomAD 0.02%). This variant has not been reported in the literature in individuals affected with SH3TC2-related conditions. ClinVar contains an entry for this variant (Variation ID: 2173900). Invitae Evidence Modeling of protein sequence and biophysical properties (such as structural, functional, and spatial information, amino acid conservation, physicochemical variation, residue mobility, and thermodynamic stability) indicates that this missense variant is not expected to disrupt SH3TC2 protein function with a negative predictive value of 95%. In summary, the available evidence is currently insufficient to determine the role of this variant in disease. Therefore, it has been classified as a Variant of Uncertain Significance.

NM_024577.4(SH3TC2):c.3006G>T (p.Arg1002Ser)

Gene: SH3TC2 (SH3 domain and tetratricopeptide repeats 2; minus strand). Cytogenetic location: 5q32.
Variant type: single nucleotide variant.
Coding change: c.3006G>T on transcript NM_024577.4 (MANE Select); coding-DNA position 3006, G replaced by T.
Protein change: p.Arg1002Ser; replaces arginine 1002 with serine.
Molecular consequence: missense variant.
Genome position (GRCh38, 1-based): chr5:149,026,619, C>A on the plus strand (G>T on the coding strand, the complement: SH3TC2 is on the minus strand). VCF-style: chr5-149026619-C-A. GRCh37 (hg19) VCF-style: chr5-148406182-C-A.
Other names: short protein forms R1002S.
Identifiers: ClinVar variation 2173900 (VCV002173900.6), dbSNP rs762004036, ClinGen allele CA3498879.